The following is an entry in ClinVar:

NM_018217.3(EDEM2):c.1271G>A (p.Arg424His)

Genes: EDEM2 (ER degradation enhancing alpha-mannosidase like protein 2; minus strand), MMP24-AS1-EDEM2 (MMP24-AS1-EDEM2 readthrough; minus strand). Cytogenetic location: 20q11.22.
Variant type: single nucleotide variant.
Coding change: c.1271G>A on transcript NM_018217.3 (MANE Select); coding-DNA position 1271, G replaced by A.
Protein change: p.Arg424His; replaces arginine 424 with histidine.
Molecular consequence: missense variant. On other transcripts: non-coding transcript variant (1).
Genome position (GRCh38, 1-based): chr20:35,115,899, C>T on the plus strand (G>A on the coding strand, the complement: EDEM2 is on the minus strand). VCF-style: chr20-35115899-C-T. GRCh37 (hg19) VCF-style: chr20-33703702-C-T.
Other names: c.1148G>A, p.Arg383His (NM_001355008.2); c.1160G>A, p.Arg387His (NM_001145025.2); short protein forms R424H, R387H, R383H.
Identifiers: ClinVar variation 812723 (VCV000812723.3), dbSNP rs996131573, ClinGen allele CA313476246.

ClinVar aggregate classification (germline): Uncertain significance (0 of 4 stars; one submission).

Conditions:
Maturity-onset diabetes of the young (MODY). Also called: Maturity onset diabetes mellitus in young. Identifiers: Orphanet 552, MedGen C0342276, MONDO:0018911, HP:0004904.

Allele frequency attached by ClinVar (database versions not stated): gnomAD 0.00001.
gnomAD v4.1: 10 of 1,613,920 alleles (0.00062%); highest among the groups gnomAD compares: Admixed American, 0.0017%; no homozygotes.

Submission:

Medical Genomics Research Department, King Abdullah International Medical Research Center
Classification: Uncertain significance for Maturity-onset diabetes of the young type 1. Last evaluated: 2019-11-01. Review status: no assertion criteria provided. Collection method: clinical testing. Allele origin: germline. Inheritance: Autosomal dominant inheritance. Affected: yes. Observed: 1 heterozygote.
Comment: The Arg424His variant in EDEM2 located in a highly conserved amino acid region with arginine conserved up to Saccharomyces cerevisiae. Prediction software SIFT, PolyPhen-2, PROVEAN and PhD-SNP predicted the variant to be deleterious. Additionally, in vitro functional studies indicate that the EDEM2 disruption reduces the expression of beta-cell genes involved in the glucose-stimulated insulin secretion (GSIS) pathway leading to an overall suppression of insulin secretion.